The following is an entry in ClinVar:

ClinVar aggregate classification (germline): Uncertain significance (1 of 4 stars; one submission).

Conditions:
Spinocerebellar ataxia, autosomal recessive, with axonal neuropathy 2 (SCAN2). Also called: Ataxia with Oculomotor Apraxia Type 2; Ataxia-ocular apraxia-2; Ataxia with Oculomotor Apraxia; ATAXIA-OCULOMOTOR APRAXIA 2. Identifiers: Orphanet 64753, MedGen C1853761, MONDO:0018996, OMIM 606002.
Amyotrophic lateral sclerosis type 4 (ALS4). Also called: AMYOTROPHIC LATERAL SCLEROSIS 4, JUVENILE; NEURONOPATHY, DISTAL HEREDITARY MOTOR, WITH PYRAMIDAL FEATURES. Identifiers: Orphanet 357043, MedGen C1865409, MONDO:0011223, OMIM 602433.

Allele frequency attached by ClinVar (database versions not stated): gnomAD exomes below 0.00001 and 0.00002; TOPMed below 0.00001.
gnomAD v4.1: 29 of 1,614,150 alleles (0.0018%); highest among the groups gnomAD compares: Non-Finnish European, 0.0024%; no homozygotes.

Submission:

Labcorp Genetics (formerly Invitae), Labcorp
Classification: Uncertain significance for Amyotrophic lateral sclerosis type 4; Spinocerebellar ataxia, autosomal recessive, with axonal neuropathy 2. Last evaluated: 2021-12-01. Review status: criteria provided, single submitter. Criteria: Invitae Variant Classification Sherloc (09022015). Collection method: clinical testing. Allele origin: germline.
Comment: This sequence change replaces glycine, which is neutral and non-polar, with aspartic acid, which is acidic and polar, at codon 1120 of the SETX protein (p.Gly1120Asp). This variant is present in population databases (no rsID available, gnomAD 0.0009%). This variant has not been reported in the literature in individuals affected with SETX-related conditions. Advanced modeling of protein sequence and biophysical properties (such as structural, functional, and spatial information, amino acid conservation, physicochemical variation, residue mobility, and thermodynamic stability) performed at Invitae indicates that this missense variant is not expected to disrupt SETX protein function. In summary, the available evidence is currently insufficient to determine the role of this variant in disease. Therefore, it has been classified as a Variant of Uncertain Significance.

NM_015046.7(SETX):c.3359G>A (p.Gly1120Asp)

Gene: SETX (senataxin; minus strand). Cytogenetic location: 9q34.13.
Variant type: single nucleotide variant.
Coding change: c.3359G>A on transcript NM_015046.7 (MANE Select); coding-DNA position 3359, G replaced by A.
Protein change: p.Gly1120Asp; replaces glycine 1120 with aspartic acid.
Molecular consequence: missense variant.
Genome position (GRCh38, 1-based): chr9:132,328,239, C>T on the plus strand (G>A on the coding strand, the complement: SETX is on the minus strand). VCF-style: chr9-132328239-C-T. GRCh37 (hg19) VCF-style: chr9-135203626-C-T.
Other names: c.3359G>A, p.Gly1120Asp (NM_001351527.2, NM_001351528.2); short protein forms G1120D.
Identifiers: ClinVar variation 1404459 (VCV001404459.6), dbSNP rs1278965355, ClinGen allele CA375330751.